The following is an entry in ClinVar:

ClinVar aggregate classification (germline): Uncertain significance (1 of 4 stars; one submission).

Conditions:
Inborn genetic diseases. Identifiers: MedGen C0950123, MeSH D030342.

gnomAD v4.1: 4 of 1,607,192 alleles (0.00025%); highest among the groups gnomAD compares: African/African-American, 0.0027%; no homozygotes.

Submission:

Ambry Genetics
Classification: Uncertain significance for Inborn genetic diseases. Last evaluated: 2025-05-31. Review status: criteria provided, single submitter. Criteria: Ambry Variant Classification Scheme 2023. Collection method: clinical testing. Allele origin: germline.
Comment: The p.T1360I variant (also known as c.4079C>T), located in coding exon 14 of the FANCM gene, results from a C to T substitution at nucleotide position 4079. The threonine at codon 1360 is replaced by isoleucine, an amino acid with similar properties. This amino acid position is conserved. In addition, this alteration is predicted to be tolerated by in silico analysis. Based on the available evidence, the clinical significance of this variant remains unclear.

NM_020937.4(FANCM):c.4079C>T (p.Thr1360Ile)

Gene: FANCM (FA complementation group M; plus strand). Cytogenetic location: 14q21.2.
Variant type: single nucleotide variant.
Coding change: c.4079C>T on transcript NM_020937.4 (MANE Select); coding-DNA position 4079, C replaced by T.
Protein change: p.Thr1360Ile; replaces threonine 1360 with isoleucine.
Molecular consequence: missense variant.
Genome position (GRCh38, 1-based): chr14:45,176,833, C>T. VCF-style: chr14-45176833-C-T. GRCh37 (hg19) VCF-style: chr14-45646036-C-T.
Other names: c.4001C>T, p.Thr1334Ile (NM_001308133.2); short protein forms T1334I, T1360I.
Identifiers: ClinVar variation 4022837 (VCV004022837.1).